The following is an entry in ClinVar:

NM_003743.5(NCOA1):c.1786A>G (p.Ile596Val)

Gene: NCOA1 (nuclear receptor coactivator 1; plus strand). Cytogenetic location: 2p23.3.
Variant type: single nucleotide variant.
Coding change: c.1786A>G on transcript NM_003743.5 (MANE Select); coding-DNA position 1786, A replaced by G.
Protein change: p.Ile596Val; replaces isoleucine 596 with valine.
Molecular consequence: missense variant.
Genome position (GRCh38, 1-based): chr2:24,707,256, A>G. VCF-style: chr2-24707256-A-G. GRCh37 (hg19) VCF-style: chr2-24930125-A-G.
Other names: c.1786A>G, p.Ile596Val (NM_001362950.1, NM_001362952.1, NM_001362954.1 and 3 more transcripts); short protein forms I596V.
Identifiers: ClinVar variation 2304339 (VCV002304339.3), dbSNP rs371097965, ClinGen allele CA1552309.

ClinVar aggregate classification (germline): Uncertain significance. Review status: criteria provided, single submitter (1 of 4 stars). 2 submissions from 2 submitters: Uncertain significance (1). 1 of the submissions does not count toward it. Last evaluated 2022-06-06.

Conditions:
NCOA1-related disorder. Also called: NCOA1-related condition.

Allele frequency attached by ClinVar (database versions not stated): ExAC 0.00002; gnomAD exomes 0.00002; TOPMed 0.00002; ESP Exome Variant Server 0.00008.
gnomAD v4.1: 26 of 1,614,226 alleles (0.0016%); highest among the groups gnomAD compares: Non-Finnish European, 0.0014%; no homozygotes.

Submissions (2):

Ambry Genetics
Classification: Uncertain significance. Last evaluated: 2022-06-06. Review status: criteria provided, single submitter. Criteria: Ambry Variant Classification Scheme 2023. Collection method: clinical testing. Allele origin: germline.

PreventionGenetics, part of Exact Sciences
Classification: Uncertain significance for NCOA1-related condition. Last evaluated: 2024-03-08. Review status: no assertion criteria provided. Collection method: clinical testing. Allele origin: germline. Not counted in ClinVar's aggregate classification.
Comment: The NCOA1 c.1786A>G variant is predicted to result in the amino acid substitution p.Ile596Val. To our knowledge, this variant has not been reported in the literature. This variant is reported in 0.014% of alleles in individuals of European (Finnish) descent in gnomAD. At this time, the clinical significance of this variant is uncertain due to the absence of conclusive functional and genetic evidence.